The following is an entry in ClinVar:

NM_001111.5(ADAR):c.2729A>G (p.His910Arg)

Genes: ADAR (adenosine deaminase RNA specific; minus strand), LOC126805874 (CDK7 strongly-dependent group 2 enhancer GRCh37_chr1:154561176-154562375; plus strand). Cytogenetic location: 1q21.3.
Variant type: single nucleotide variant.
Coding change: c.2729A>G on transcript NM_001111.5 (MANE Select); coding-DNA position 2729, A replaced by G.
Protein change: p.His910Arg; replaces histidine 910 with arginine.
Molecular consequence: missense variant.
Genome position (GRCh38, 1-based): chr1:154,589,402, T>C on the plus strand (A>G on the coding strand, the complement: ADAR is on the minus strand). VCF-style: chr1-154589402-T-C. GRCh37 (hg19) VCF-style: chr1-154561878-T-C.
Other names: c.1844A>G, p.His615Arg (NM_001025107.3, NM_001193495.2, NM_001365046.1 and 2 more transcripts); c.2756A>G, p.His919Arg (NM_001365045.1); c.1766A>G, p.His589Arg (NM_001365049.1); c.2651A>G, p.His884Arg (NM_015840.4); c.2594A>G, p.His865Arg (NM_015841.4); short protein forms H589R, H884R, H910R, H615R, H865R, H919R.
Identifiers: ClinVar variation 801552 (VCV000801552.3), dbSNP rs1571063283, ClinGen allele CA342636590.

ClinVar aggregate classification (germline): Conflicting classifications of pathogenicity. Review status: criteria provided, conflicting classifications (1 of 4 stars). 2 submissions from 2 submitters: Likely pathogenic (1); Uncertain significance (1). Last evaluated 2025-01-01.

Conditions:
Symmetrical dyschromatosis of extremities (DSH). Also called: DYSCHROMATOSIS SYMMETRICA HEREDITARIA 1; RETICULATE ACROPIGMENTATION OF DOHI; SYMMETRIC DYSCHROMATOSIS OF THE EXTREMITIES; Dyschromatosis symmetrica hereditaria. Identifiers: Orphanet 41, MedGen C0406775, MONDO:0007483, OMIM 127400.
Aicardi-Goutieres syndrome 6 (AGS6). Identifiers: Orphanet 51, MedGen C3539013, MONDO:0014007, OMIM 615010.

Submissions (2):

Labcorp Genetics (formerly Invitae), Labcorp
Classification: Uncertain significance for Aicardi-Goutieres syndrome 6; Symmetrical dyschromatosis of extremities. Last evaluated: 2025-01-01. Review status: criteria provided, single submitter. Criteria: Invitae Variant Classification Sherloc (09022015). Collection method: clinical testing. Allele origin: germline.
Comment: This sequence change replaces histidine, which is basic and polar, with arginine, which is basic and polar, at codon 910 of the ADAR protein (p.His910Arg). This variant is not present in population databases (gnomAD no frequency). This variant has not been reported in the literature in individuals affected with ADAR-related conditions. ClinVar contains an entry for this variant (Variation ID: 801552). Invitae Evidence Modeling of protein sequence and biophysical properties (such as structural, functional, and spatial information, amino acid conservation, physicochemical variation, residue mobility, and thermodynamic stability) has been performed for this missense variant. However, the output from this modeling did not meet the statistical confidence thresholds required to predict the impact of this variant on ADAR protein function. In summary, the available evidence is currently insufficient to determine the role of this variant in disease. Therefore, it has been classified as a Variant of Uncertain Significance.

Mendelics
Classification: Likely pathogenic for Symmetrical dyschromatosis of extremities. Last evaluated: 2019-05-28. Review status: criteria provided, single submitter. Criteria: Mendelics Assertion Criteria 2017. Collection method: clinical testing. Allele origin: unknown.